The following is an entry in ClinVar:

NM_006767.4(LZTR1):c.1018C>G (p.Arg340Gly)

Gene: LZTR1 (leucine zipper like post translational regulator 1; plus strand). Cytogenetic location: 22q11.21.
Variant type: single nucleotide variant.
Coding change: c.1018C>G on transcript NM_006767.4 (MANE Select); coding-DNA position 1018, C replaced by G.
Protein change: p.Arg340Gly; replaces arginine 340 with glycine.
Molecular consequence: missense variant.
Genome position (GRCh38, 1-based): chr22:20,992,238, C>G. VCF-style: chr22-20992238-C-G. GRCh37 (hg19) VCF-style: chr22-21346527-C-G.
Other names: short protein forms R340G.
Identifiers: ClinVar variation 3776693 (VCV003776693.1).

ClinVar aggregate classification (germline): Uncertain significance (1 of 4 stars; one submission).

Submission:

GeneDx
Classification: Uncertain significance. Last evaluated: 2024-10-02. Review status: criteria provided, single submitter. Criteria: GeneDx Variant Classification Process June 2021. Collection method: clinical testing. Allele origin: germline. Affected: yes.
Comment: Not observed at significant frequency in large population cohorts (gnomAD); In silico analysis indicates that this missense variant does not alter protein structure/function; Has not been previously published as pathogenic or benign to our knowledge